The following is an entry in ClinVar:

NM_000465.4(BARD1):c.106C>G (p.His36Asp)

Gene: BARD1 (BRCA1 associated RING domain 1; minus strand). Cytogenetic location: 2q35.
Variant type: single nucleotide variant.
Coding change: c.106C>G on transcript NM_000465.4 (MANE Select); coding-DNA position 106, C replaced by G.
Protein change: p.His36Asp; replaces histidine 36 with aspartic acid.
Molecular consequence: missense variant. On other transcripts: non-coding transcript variant (3).
Genome position (GRCh38, 1-based): chr2:214,809,464, G>C on the plus strand (C>G on the coding strand, the complement: BARD1 is on the minus strand). VCF-style: chr2-214809464-G-C. GRCh37 (hg19) VCF-style: chr2-215674188-G-C.
Other names: c.106C>G, p.His36Asp (NM_001282543.2, NM_001282545.2, NM_001282548.2 and 1 more transcripts); short protein forms H36D.
Identifiers: ClinVar variation 1486032 (VCV001486032.11), dbSNP rs2106171164, ClinGen allele CA350465006.
Genomic context (GRCh38, chr2:214,809,464, plus strand): 5'-GTCTTTACCAACGCGAGCAGCGCAGCAGCTTCTCCAGGCGGTCGAGCGCGGCGCGACTGT[G>C]GGCCCAGGCACCGCGACCATCCGGTTCCATGGCGGGCGCGGAACGAGGCTCGTTCCCGGA-3'
Protein context (NP_000456.2, residues 26-46): MEPDGRGAWA[His36Asp]SRAALDRLEK

ClinVar aggregate classification (germline): Uncertain significance. Review status: criteria provided, multiple submitters, no conflicts (2 of 4 stars). 2 submissions from 2 submitters: Uncertain significance (2). Last evaluated 2024-12-15.

Conditions:
Hereditary cancer-predisposing syndrome. Also called: Hereditary neoplastic syndrome; Neoplastic Syndromes, Hereditary; Hereditary Cancer Syndrome; Tumor predisposition. Identifiers: Orphanet 140162, MedGen C0027672, MeSH D009386, MONDO:0015356.
Familial cancer of breast. Also called: Hereditary breast cancer; BREAST CANCER, FAMILIAL; hereditary breast carcinoma. Identifiers: Orphanet 227535, MedGen C0346153, MONDO:0016419, OMIM 114480. Disease mechanism: loss of function.

Submissions (2):

Labcorp Genetics (formerly Invitae), Labcorp
Classification: Uncertain significance for Familial cancer of breast. Last evaluated: 2024-12-15. Review status: criteria provided, single submitter. Criteria: Invitae Variant Classification Sherloc (09022015). Collection method: clinical testing. Allele origin: germline.
Comment: This sequence change replaces histidine, which is basic and polar, with aspartic acid, which is acidic and polar, at codon 36 of the BARD1 protein (p.His36Asp). This variant is not present in population databases (gnomAD no frequency). This variant has not been reported in the literature in individuals affected with BARD1-related conditions. ClinVar contains an entry for this variant (Variation ID: 1486032). An algorithm developed to predict the effect of missense changes on protein structure and function (PolyPhen-2) suggests that this variant is likely to be disruptive. In summary, the available evidence is currently insufficient to determine the role of this variant in disease. Therefore, it has been classified as a Variant of Uncertain Significance.

Ambry Genetics
Classification: Uncertain significance for Hereditary cancer-predisposing syndrome. Last evaluated: 2023-01-03. Review status: criteria provided, single submitter. Criteria: Ambry Variant Classification Scheme 2023. Collection method: clinical testing. Allele origin: germline.
Comment: The p.H36D variant (also known as c.106C>G), located in coding exon 1 of the BARD1 gene, results from a C to G substitution at nucleotide position 106. The histidine at codon 36 is replaced by aspartic acid, an amino acid with similar properties. This amino acid position is well conserved in available vertebrate species. In addition, the in silico prediction for this alteration is inconclusive. Since supporting evidence is limited at this time, the clinical significance of this alteration remains unclear.